The following is an entry in ClinVar:

ClinVar aggregate classification (germline): Uncertain significance (1 of 4 stars; one submission).

Conditions:
Werner syndrome (WRN). Identifiers: Orphanet 902, MedGen C0043119, MONDO:0010196, OMIM 277700.

Submission:

Labcorp Genetics (formerly Invitae), Labcorp
Classification: Uncertain significance for Werner syndrome. Last evaluated: 2023-05-19. Review status: criteria provided, single submitter. Criteria: Invitae Variant Classification Sherloc (09022015). Collection method: clinical testing. Allele origin: germline.
Comment: In summary, the available evidence is currently insufficient to determine the role of this variant in disease. Therefore, it has been classified as a Variant of Uncertain Significance. An algorithm developed to predict the effect of missense changes on protein structure and function (PolyPhen-2) suggests that this variant is likely to be tolerated. ClinVar contains an entry for this variant (Variation ID: 944107). This variant has not been reported in the literature in individuals affected with WRN-related conditions. This variant is not present in population databases (gnomAD no frequency). This sequence change replaces serine, which is neutral and polar, with phenylalanine, which is neutral and non-polar, at codon 409 of the WRN protein (p.Ser409Phe).

NM_000553.6(WRN):c.1226C>T (p.Ser409Phe)

Gene: WRN (WRN RecQ like helicase; plus strand). Cytogenetic location: 8p12.
Variant type: single nucleotide variant.
Coding change: c.1226C>T on transcript NM_000553.6 (MANE Select); coding-DNA position 1226, C replaced by T.
Protein change: p.Ser409Phe; replaces serine 409 with phenylalanine.
Molecular consequence: missense variant.
Genome position (GRCh38, 1-based): chr8:31,081,253, C>T. VCF-style: chr8-31081253-C-T. GRCh37 (hg19) VCF-style: chr8-30938769-C-T.
Other names: short protein forms S409F.
Identifiers: ClinVar variation 944107 (VCV000944107.5), dbSNP rs1813300007, ClinGen allele CA370921357.